The following is an entry in ClinVar:

NM_152558.5(IQCE):c.1533C>T (p.Arg511=)

Gene: IQCE (IQ motif containing E; plus strand). Cytogenetic location: 7p22.3.
Variant type: single nucleotide variant.
Coding change: c.1533C>T on transcript NM_152558.5 (MANE Select); coding-DNA position 1533, C replaced by T.
Protein change: p.Arg511=; no amino-acid change (arginine 511 retained).
Molecular consequence: synonymous variant.
Genome position (GRCh38, 1-based): chr7:2,598,557, C>T. VCF-style: chr7-2598557-C-T. GRCh37 (hg19) VCF-style: chr7-2638191-C-T.
Other names: c.1533C>T, p.Arg511= (NM_001287499.2); c.1485C>T, p.Arg495= (NM_001287500.2); c.1338C>T, p.Arg446= (NM_001287501.2, NM_001287502.2).
Identifiers: ClinVar variation 709084 (VCV000709084.5), dbSNP rs114555800, ClinGen allele CA4129283.

ClinVar aggregate classification (germline): Benign. Review status: criteria provided, single submitter (1 of 4 stars). 2 submissions from 2 submitters: Benign (1). 1 of the submissions does not count toward it. Last evaluated 2018-06-04.

Conditions:
IQCE-related disorder. Also called: IQCE-related condition.

Allele frequency attached by ClinVar (database versions not stated): gnomAD exomes 0.00012 and 0.00033; ExAC 0.00044; ESP Exome Variant Server 0.00092; gnomAD 0.00119 and 0.00129; TOPMed 0.00120; 1000 Genomes Project 0.00140; 1000 Genomes Project 30x 0.00172.
gnomAD v4.1: 354 of 1,610,534 alleles (0.022%); highest among the groups gnomAD compares: African/African-American, 0.44%; no homozygotes.

Submissions (2):

Labcorp Genetics (formerly Invitae), Labcorp
Classification: Benign. Last evaluated: 2018-06-04. Review status: criteria provided, single submitter. Criteria: Invitae Variant Classification Sherloc (09022015). Collection method: clinical testing. Allele origin: germline.

PreventionGenetics, part of Exact Sciences
Classification: Likely benign for IQCE-related condition. Last evaluated: 2019-04-11. Review status: no assertion criteria provided. Collection method: clinical testing. Allele origin: germline. Not counted in ClinVar's aggregate classification.
Comment: This variant is classified as likely benign based on ACMG/AMP sequence variant interpretation guidelines (Richards et al. 2015 PMID: 25741868, with internal and published modifications).